The following is an entry in ClinVar:

NC_000023.10:g.(?_32456338)_(32503236_?)dup

Gene: DMD (dystrophin; minus strand). Cytogenetic location: Xp21.1.
Variant type: Duplication.
Identifiers: ClinVar variation 3242943 (VCV003242943.1).

ClinVar aggregate classification (germline): Likely pathogenic (1 of 4 stars; one submission).

Conditions:
Duchenne muscular dystrophy (DMD). Also called: MUSCULAR DYSTROPHY, PSEUDOHYPERTROPHIC PROGRESSIVE, DUCHENNE TYPE; Duchenne Muscular Dystrophy (DMD). Identifiers: Orphanet 98896, MedGen C0013264, MONDO:0010679, OMIM 310200.

Submission:

Labcorp Genetics (formerly Invitae), Labcorp
Classification: Likely pathogenic for Duchenne muscular dystrophy. Last evaluated: 2022-10-26. Review status: criteria provided, single submitter. Criteria: Invitae Variant Classification Sherloc (09022015). Collection method: clinical testing. Allele origin: unknown.
Comment: In summary, the currently available evidence indicates that the variant is pathogenic, but additional data are needed to prove that conclusively. Therefore, this variant has been classified as Likely Pathogenic. A similar copy number variant has been observed in individuals with Duchenne or Becker muscular dystrophy (PMID: 18403565, 20036901). This variant results in a copy number gain of the genomic region encompassing exon(s) 21-29 of the DMD gene. While the exact position of this variant cannot be determined from the data, sub-genic copy number gains are generally in tandem (PMID: 25640679). This variant is predicted to be in-frame, and likely preserves the integrity of the reading frame.

Literature cited by the submitters: PubMed 18403565; PubMed 20036901; PubMed 25640679.